The following is an entry in ClinVar:

ClinVar aggregate classification (germline): Uncertain significance. Review status: criteria provided, multiple submitters, no conflicts (2 of 4 stars). 2 submissions from 2 submitters: Uncertain significance (2). Last evaluated 2026-04-11.

Conditions:
Cardiovascular phenotype. Identifiers: MedGen CN230736.

gnomAD v4.1: 2 of 1,550,386 alleles (0.00013%); highest among the groups gnomAD compares: Non-Finnish European, 0.000087%; no homozygotes.

Submissions (2):

Ambry Genetics
Classification: Uncertain significance for Cardiovascular phenotype. Last evaluated: 2026-04-11. Review status: criteria provided, single submitter. Criteria: Ambry Variant Classification Scheme 2023. Collection method: clinical testing. Allele origin: germline.
Comment: The p.E2554D variant (also known as c.7662G>C), located in coding exon 2 of the ZNF469 gene, results from a G to C substitution at nucleotide position 7662. The glutamic acid at codon 2554 is replaced by aspartic acid, an amino acid with highly similar properties. This amino acid position is conserved. In addition, this alteration is predicted to be tolerated by in silico analysis. Based on the available evidence, the clinical significance of this variant remains unclear.

Labcorp Genetics (formerly Invitae), Labcorp
Classification: Uncertain significance. Last evaluated: 2025-06-26. Review status: criteria provided, single submitter. Criteria: Invitae Variant Classification Sherloc (09022015). Collection method: clinical testing. Allele origin: germline.
Comment: This sequence change replaces glutamic acid, which is acidic and polar, with aspartic acid, which is acidic and polar, at codon 2554 of the ZNF469 protein (p.Glu2554Asp). This variant is not present in population databases (gnomAD no frequency). This variant has not been reported in the literature in individuals affected with ZNF469-related conditions. ClinVar contains an entry for this variant (Variation ID: 3476309). An algorithm developed to predict the effect of missense changes on protein structure and function (PolyPhen-2) suggests that this variant is likely to be tolerated. In summary, the available evidence is currently insufficient to determine the role of this variant in disease. Therefore, it has been classified as a Variant of Uncertain Significance.

NM_001367624.2(ZNF469):c.7746G>C (p.Glu2582Asp)

Gene: ZNF469 (zinc finger protein 469; plus strand). Cytogenetic location: 16q24.2.
Variant type: single nucleotide variant.
Coding change: c.7746G>C on transcript NM_001367624.2 (MANE Select); coding-DNA position 7746, G replaced by C.
Protein change: p.Glu2582Asp; replaces glutamic acid 2582 with aspartic acid.
Molecular consequence: missense variant.
Genome position (GRCh38, 1-based): chr16:88,435,216, G>C. VCF-style: chr16-88435216-G-C. GRCh37 (hg19) VCF-style: chr16-88501624-G-C.
Other names: NM_001127464.1:c.7662G>C; short protein forms E2582D.
Identifiers: ClinVar variation 3476309 (VCV003476309.3).
Genomic context (GRCh38, chr16:88,435,216, plus strand): 5'-CAGAGCACCGGGGTCCCCACACAGCCAGCAGCTGCACCCTCCAAGCCCTACTGAGCATGA[G>C]GTAGATGTGAAGACTCCGGCCTCCAAGCCCAGACCAGACCAGGCCAGGGAAGATGAGCTG-3'
Protein context (NP_001354553.1, residues 2572-2592): QLHPPSPTEH[Glu2582Asp]VDVKTPASKP